The following is an entry in ClinVar:

ClinVar aggregate classification (germline): Uncertain significance (1 of 4 stars; one submission).

Conditions:
Autosomal dominant Parkinson disease 8. Also called: Parkinson disease 8, susceptibility to; LRRK2-Related Parkinson Disease; Parkinson disease 8. Identifiers: Orphanet 411602, MedGen C1846862, MONDO:0011764, OMIM 607060.

Allele frequency attached by ClinVar (database versions not stated): ExAC 0.00001.
gnomAD v4.1: 2 of 1,611,800 alleles (0.00012%); highest among the groups gnomAD compares: South Asian, 0.0011%; no homozygotes.

Submission:

Labcorp Genetics (formerly Invitae), Labcorp
Classification: Uncertain significance for Autosomal dominant Parkinson disease 8. Last evaluated: 2022-09-13. Review status: criteria provided, single submitter. Criteria: Invitae Variant Classification Sherloc (09022015). Collection method: clinical testing. Allele origin: germline.
Comment: In summary, the available evidence is currently insufficient to determine the role of this variant in disease. Therefore, it has been classified as a Variant of Uncertain Significance. Advanced modeling of protein sequence and biophysical properties (such as structural, functional, and spatial information, amino acid conservation, physicochemical variation, residue mobility, and thermodynamic stability) has been performed at Invitae for this missense variant, however the output from this modeling did not meet the statistical confidence thresholds required to predict the impact of this variant on LRRK2 protein function. This variant has not been reported in the literature in individuals affected with LRRK2-related conditions. This variant is present in population databases (rs775681550, gnomAD 0.003%). This sequence change replaces methionine, which is neutral and non-polar, with leucine, which is neutral and non-polar, at codon 243 of the LRRK2 protein (p.Met243Leu).

NM_198578.4(LRRK2):c.727A>T (p.Met243Leu)

Gene: LRRK2 (leucine rich repeat kinase 2; plus strand). Cytogenetic location: 12q12.
Variant type: single nucleotide variant.
Coding change: c.727A>T on transcript NM_198578.4 (MANE Select); coding-DNA position 727, A replaced by T.
Protein change: p.Met243Leu; replaces methionine 243 with leucine.
Molecular consequence: missense variant.
Genome position (GRCh38, 1-based): chr12:40,243,570, A>T. VCF-style: chr12-40243570-A-T. GRCh37 (hg19) VCF-style: chr12-40637372-A-T.
Other names: short protein forms M243L.
Identifiers: ClinVar variation 1721120 (VCV001721120.5), dbSNP rs775681550, ClinGen allele CA6513177.